The following is an entry in ClinVar:

NM_000051.4(ATM):c.5080G>A (p.Ala1694Thr)

Gene: ATM (ATM serine/threonine kinase; plus strand). Cytogenetic location: 11q22.3.
Variant type: single nucleotide variant.
Coding change: c.5080G>A on transcript NM_000051.4 (MANE Select); coding-DNA position 5080, G replaced by A.
Protein change: p.Ala1694Thr; replaces alanine 1694 with threonine.
Molecular consequence: missense variant.
Genome position (GRCh38, 1-based): chr11:108,299,788, G>A. VCF-style: chr11-108299788-G-A. GRCh37 (hg19) VCF-style: chr11-108170515-G-A.
Other names: c.5080G>A, p.Ala1694Thr (NM_001351834.2); short protein forms A1694T.
Identifiers: ClinVar variation 407631 (VCV000407631.26), dbSNP rs756197350, ClinGen allele CA6265627.

ClinVar aggregate classification (germline): Conflicting classifications of pathogenicity. Review status: criteria provided, conflicting classifications (1 of 4 stars). 8 submissions from 8 submitters: Uncertain significance (6); Likely benign (1). 1 of the submissions does not count toward it. Last evaluated 2026-08-03.

Conditions:
ATM-related disorder. Also called: ATM-related disorders; ATM-related condition.
Breast and/or ovarian cancer. Identifiers: MedGen CN221562.
Hereditary cancer-predisposing syndrome. Also called: Neoplastic Syndromes, Hereditary; Tumor predisposition; Hereditary Cancer Syndrome; Hereditary neoplastic syndrome. Identifiers: Orphanet 140162, MedGen C0027672, MeSH D009386, MONDO:0015356.
Ataxia-telangiectasia syndrome (AT). Also called: LOUIS-BAR SYNDROME; Cerebello-oculocutaneous telangiectasia; Immunodeficiency with ataxia telangiectasia; Ataxia-telangiectasia, complementation group E; Ataxia-telangiectasia, complementation group D; AT, COMPLEMENTATION GROUP C. Identifiers: Orphanet 100, MedGen C0004135, MONDO:0008840, OMIM 208900.

Allele frequency attached by ClinVar (database versions not stated): gnomAD exomes 0.00001; ExAC 0.00002.
gnomAD v4.1: 7 of 1,613,968 alleles (0.00043%); highest among the groups gnomAD compares: Non-Finnish European, 0.00059%; no homozygotes.

Submissions (8):

PreventionGenetics, part of Exact Sciences
Classification: Uncertain significance for ATM-related condition. Last evaluated: 2026-08-03. Review status: criteria provided, single submitter. Criteria: ACMG Guidelines, 2015. Collection method: clinical testing. Allele origin: germline.
Comment: The ATM c.5080G>A variant is predicted to result in the amino acid substitution p.Ala1694Thr. This variant was reported in an individual with colorectal cancer (Table A4, Yurgelun et al. 2017. PubMed ID: 28135145), an individual from a hematological malignancy study with cancer status unknown (Table S6, Lampson et al. 2022. PubMed ID: 36315919) and in an individual with breast cancer and a control (Supp. Table 1, Maxwell et al. 2014. PubMed ID: 25503501; Breast Cancer Association Consortium et al. 2021. PubMed ID: 33471991). This variant is reported in 0.0018% of alleles in individuals of European (Non-Finnish) descent in gnomAD. This variant has conflicting interpretations of uncertain and likely benign in ClinVar (Variation ID: 407631). At this time, the clinical significance of this variant is uncertain due to the absence of conclusive functional and genetic evidence.

Labcorp Genetics (formerly Invitae), Labcorp
Classification: Uncertain significance for Ataxia-telangiectasia syndrome. Last evaluated: 2025-11-22. Review status: criteria provided, single submitter. Criteria: Invitae Variant Classification Sherloc (09022015). Collection method: clinical testing. Allele origin: germline.
Comment: This sequence change replaces alanine, which is neutral and non-polar, with threonine, which is neutral and polar, at codon 1694 of the ATM protein (p.Ala1694Thr). This variant is present in population databases (rs756197350, gnomAD 0.002%). This missense change has been observed in individual(s) with breast cancer and colorectal cancer (PMID: 25503501, 28135145). ClinVar contains an entry for this variant (Variation ID: 407631). Invitae Evidence Modeling of protein sequence and biophysical properties (such as structural, functional, and spatial information, amino acid conservation, physicochemical variation, residue mobility, and thermodynamic stability) indicates that this missense variant is not expected to disrupt ATM protein function with a negative predictive value of 95%. In summary, the available evidence is currently insufficient to determine the role of this variant in disease. Therefore, it has been classified as a Variant of Uncertain Significance.

Quest Diagnostics Nichols Institute San Juan Capistrano
Classification: Uncertain significance. Last evaluated: 2024-06-12. Review status: criteria provided, single submitter. Criteria: Quest Diagnostics criteria. Collection method: clinical testing. Allele origin: unknown.

GeneDx
Classification: Uncertain significance. Last evaluated: 2024-02-28. Review status: criteria provided, single submitter. Criteria: GeneDx Variant Classification Process June 2021. Collection method: clinical testing. Allele origin: germline. Affected: yes.
Comment: Not observed at significant frequency in large population cohorts (gnomAD); In silico analysis supports that this missense variant does not alter protein structure/function; This variant is associated with the following publications: (PMID: 25503501, 28135145)

Color Diagnostics, LLC DBA Color Health
Classification: Uncertain significance for Hereditary cancer-predisposing syndrome. Last evaluated: 2023-02-17. Review status: criteria provided, single submitter. Criteria: ACMG Guidelines, 2015. Collection method: clinical testing. Allele origin: germline.
Comment: This missense variant replaces alanine with threonine at codon 1694 of the ATM protein. Computational prediction suggests that this variant may not impact protein structure and function (internally defined REVEL score threshold <= 0.5, PMID: 27666373). To our knowledge, functional studies have not been reported for this variant. This variant has been reported in an individual affected with breast cancer (PMID: 25503501), an individual affected with colorectal cancer (PMID: 28135145), and in a healthy individual (PMID: 33471991). This variant has been identified in 2/251230 chromosomes in the general population by the Genome Aggregation Database (gnomAD). The available evidence is insufficient to determine the role of this variant in disease conclusively. Therefore, this variant is classified as a Variant of Uncertain Significance.

CHEO Genetics Diagnostic Laboratory, Children's Hospital of Eastern Ontario
Classification: Uncertain significance for Breast and/or ovarian cancer. Last evaluated: 2022-12-19. Review status: criteria provided, single submitter. Criteria: ACMG Guidelines, 2015. Collection method: clinical testing. Allele origin: germline.

Ambry Genetics
Classification: Likely benign for Hereditary cancer-predisposing syndrome. Last evaluated: 2018-02-09. Review status: criteria provided, single submitter. Criteria: Ambry Variant Classification Scheme 2023. Collection method: clinical testing. Allele origin: germline.

Counsyl
Classification: Uncertain significance for Ataxia-telangiectasia syndrome. Last evaluated: 2018-05-15. Review status: no assertion criteria provided. Collection method: clinical testing. Allele origin: unknown. Not counted in ClinVar's aggregate classification.

Literature cited by the submitters: PubMed 25503501 (cited by 3 submitters); PubMed 28135145 (cited by 3 submitters); PubMed 33471991 (cited by Quest Diagnostics Nichols Institute San Juan Capistrano and Color Diagnostics, LLC DBA Color Health).